The following is an entry in ClinVar:

ClinVar aggregate classification (germline): Uncertain significance. Review status: criteria provided, multiple submitters, no conflicts (2 of 4 stars). 2 submissions from 2 submitters: Uncertain significance (2). Last evaluated 2022-04-24.

Allele frequency attached by ClinVar (database versions not stated): ExAC 0.00001.

Submissions (2):

Labcorp Genetics (formerly Invitae), Labcorp
Classification: Uncertain significance. Last evaluated: 2022-04-24. Review status: criteria provided, single submitter. Criteria: Invitae Variant Classification Sherloc (09022015). Collection method: clinical testing. Allele origin: germline.
Comment: In summary, the available evidence is currently insufficient to determine the role of this variant in disease. Therefore, it has been classified as a Variant of Uncertain Significance. Algorithms developed to predict the effect of missense changes on protein structure and function (SIFT, PolyPhen-2, Align-GVGD) all suggest that this variant is likely to be tolerated. ClinVar contains an entry for this variant (Variation ID: 1310796). This variant has not been reported in the literature in individuals affected with USP9X-related conditions. This variant is not present in population databases (gnomAD no frequency). This sequence change replaces tyrosine, which is neutral and polar, with cysteine, which is neutral and slightly polar, at codon 2556 of the USP9X protein (p.Tyr2556Cys).

GeneDx
Classification: Uncertain significance. Last evaluated: 2019-12-05. Review status: criteria provided, single submitter. Criteria: GeneDx Variant Classification Process June 2021. Collection method: clinical testing. Allele origin: germline. Affected: yes.
Comment: Not observed in large population cohorts (Lek et al., 2016); In silico analysis, which includes protein predictors and evolutionary conservation, supports that this variant does not alter protein structure/function; Has not been previously published as pathogenic or benign to our knowledge

NM_001039591.3(USP9X):c.7619A>G (p.Tyr2540Cys)

Gene: USP9X (ubiquitin specific peptidase 9 X-linked; plus strand). Cytogenetic location: Xp11.4.
Variant type: single nucleotide variant.
Coding change: c.7619A>G on transcript NM_001039591.3 (MANE Select); coding-DNA position 7619, A replaced by G.
Protein change: p.Tyr2540Cys; replaces tyrosine 2540 with cysteine.
Molecular consequence: missense variant.
Genome position (GRCh38, 1-based): chrX:41,232,478, A>G. VCF-style: chrX-41232478-A-G. GRCh37 (hg19) VCF-style: chrX-41091731-A-G.
Other names: c.7667A>G, p.Tyr2556Cys (NM_001039590.3); short protein forms Y2540C, Y2556C.
Identifiers: ClinVar variation 1310796 (VCV001310796.6), dbSNP rs767879894, ClinGen allele CA10389258.